The following is an entry in ClinVar:

NM_000376.3(VDR):c.1273G>A (p.Glu425Lys)

Gene: VDR (vitamin D receptor; minus strand). Cytogenetic location: 12q13.11.
Variant type: single nucleotide variant.
Coding change: c.1273G>A on transcript NM_000376.3 (MANE Select); coding-DNA position 1273, G replaced by A.
Protein change: p.Glu425Lys; replaces glutamic acid 425 with lysine.
Molecular consequence: missense variant.
Genome position (GRCh38, 1-based): chr12:47,844,757, C>T on the plus strand (G>A on the coding strand, the complement: VDR is on the minus strand). VCF-style: chr12-47844757-C-T. GRCh37 (hg19) VCF-style: chr12-48238540-C-T.
Other names: c.1273G>A, p.Glu425Lys (NM_001017535.2, NM_001364085.2, NM_001374661.1 and 1 more transcripts); c.1423G>A, p.Glu475Lys (NM_001017536.2); short protein forms E475K, E425K.
Identifiers: ClinVar variation 2099534 (VCV002099534.4), dbSNP rs2539964765, ClinGen allele CA384513555.

ClinVar aggregate classification (germline): Uncertain significance (1 of 4 stars; one submission).

Allele frequency attached by ClinVar (database versions not stated): gnomAD exomes below 0.00001.
gnomAD v4.1: 1 of 1,614,090 alleles (0.000062%); highest among the groups gnomAD compares: Non-Finnish European, 0.000085%; no homozygotes.

Submission:

Labcorp Genetics (formerly Invitae), Labcorp
Classification: Uncertain significance. Last evaluated: 2022-11-15. Review status: criteria provided, single submitter. Criteria: Invitae Variant Classification Sherloc (09022015). Collection method: clinical testing. Allele origin: germline.
Comment: In summary, the available evidence is currently insufficient to determine the role of this variant in disease. Therefore, it has been classified as a Variant of Uncertain Significance. Algorithms developed to predict the effect of missense changes on protein structure and function are either unavailable or do not agree on the potential impact of this missense change (SIFT: "Deleterious"; PolyPhen-2: "Possibly Damaging"; Align-GVGD: "Class C0"). This variant has not been reported in the literature in individuals affected with VDR-related conditions. This variant is not present in population databases (gnomAD no frequency). This sequence change replaces glutamic acid, which is acidic and polar, with lysine, which is basic and polar, at codon 425 of the VDR protein (p.Glu425Lys).